The following is an entry in ClinVar:

ClinVar aggregate classification (germline): Uncertain significance (1 of 4 stars; one submission).

gnomAD v4.1: 4 of 1,613,854 alleles (0.00025%); highest among the groups gnomAD compares: African/African-American, 0.0013%; no homozygotes.

Submission:

GeneDx
Classification: Uncertain significance. Last evaluated: 2024-10-03. Review status: criteria provided, single submitter. Criteria: GeneDx Variant Classification Process June 2021. Collection method: clinical testing. Allele origin: germline. Affected: yes.
Comment: Not observed at significant frequency in large population cohorts (gnomAD); In silico analysis supports that this missense variant has a deleterious effect on protein structure/function; Has not been previously published as pathogenic or benign to our knowledge

NM_018060.4(IARS2):c.1530G>A (p.Met510Ile)

Gene: IARS2 (isoleucyl-tRNA synthetase 2, mitochondrial; plus strand). Cytogenetic location: 1q41.
Variant type: single nucleotide variant.
Coding change: c.1530G>A on transcript NM_018060.4 (MANE Select); coding-DNA position 1530, G replaced by A.
Protein change: p.Met510Ile; replaces methionine 510 with isoleucine.
Molecular consequence: missense variant.
Genome position (GRCh38, 1-based): chr1:220,114,364, G>A. VCF-style: chr1-220114364-G-A. GRCh37 (hg19) VCF-style: chr1-220287706-G-A.
Other names: short protein forms M510I.
Identifiers: ClinVar variation 3776580 (VCV003776580.1).